The following is an entry in ClinVar:

NM_001099274.3(TINF2):c.968C>T (p.Ala323Val)

Gene: TINF2 (TERF1 interacting nuclear factor 2; minus strand). Cytogenetic location: 14q12.
Variant type: single nucleotide variant.
Coding change: c.968C>T on transcript NM_001099274.3 (MANE Select); coding-DNA position 968, C replaced by T.
Protein change: p.Ala323Val; replaces alanine 323 with valine.
Molecular consequence: missense variant.
Genome position (GRCh38, 1-based): chr14:24,240,512, G>A on the plus strand (C>T on the coding strand, the complement: TINF2 is on the minus strand). VCF-style: chr14-24240512-G-A. GRCh37 (hg19) VCF-style: chr14-24709718-G-A.
Other names: c.863C>T, p.Ala288Val (NM_001363668.2); c.968C>T, p.Ala323Val (NM_012461.3); short protein forms A323V, A288V.
Identifiers: ClinVar variation 2914027 (VCV002914027.5), dbSNP rs2502454779, ClinGen allele CA389224130.
Genomic context (GRCh38, chr14:24,240,512, plus strand): 5'-TTCTCCTTCAGAGCCCTTCCCCCCAGGGTCTGGCATGGACTCTTAGACTTCCCAGTGGAG[G>A]CTGCTCTTGTGCCCATGGCTAGGTCTGCTGTGTATATCGCATGTTCTTCCTTGCTCTCAG-3'
Protein context (NP_001092744.1, residues 313-333): TADLAMGTRA[Ala323Val]STGKSKSPCQ

ClinVar aggregate classification (germline): Uncertain significance. Review status: criteria provided, multiple submitters, no conflicts (2 of 4 stars). 2 submissions from 2 submitters: Uncertain significance (2). Last evaluated 2023-09-18.

Conditions:
Dyskeratosis congenita. Identifiers: Orphanet 1775, MedGen C0265965, MONDO:0015780.
Dyskeratosis congenita, autosomal dominant 3. Identifiers: MedGen C3151445, MONDO:0013522, OMIM 613990.

Submissions (2):

Labcorp Genetics (formerly Invitae), Labcorp
Classification: Uncertain significance for Dyskeratosis congenita. Last evaluated: 2023-09-18. Review status: criteria provided, single submitter. Criteria: Invitae Variant Classification Sherloc (09022015). Collection method: clinical testing. Allele origin: germline.
Comment: This sequence change replaces alanine, which is neutral and non-polar, with valine, which is neutral and non-polar, at codon 323 of the TINF2 protein (p.Ala323Val). This variant is not present in population databases (gnomAD no frequency). This variant has not been reported in the literature in individuals affected with TINF2-related conditions. Algorithms developed to predict the effect of missense changes on protein structure and function output the following: SIFT: "Not Available"; PolyPhen-2: "Possibly Damaging"; Align-GVGD: "Not Available". The valine amino acid residue is found in multiple mammalian species, which suggests that this missense change does not adversely affect protein function. In summary, the available evidence is currently insufficient to determine the role of this variant in disease. Therefore, it has been classified as a Variant of Uncertain Significance.

Dept. of Cytogenetics, ICMR- National Institute of Immunohaematology
Classification: Uncertain significance for Dyskeratosis congenita, autosomal dominant 3. Review status: criteria provided, single submitter. Criteria: ACMG Guidelines, 2015. Collection method: clinical testing. Allele origin: de novo. Affected: yes.
Comment: Pathogenic: identified in aplastic anemia condition